The following is an entry in ClinVar:

NM_003098.3(SNTA1):c.818C>T (p.Pro273Leu)

Gene: SNTA1 (syntrophin alpha 1; minus strand). Cytogenetic location: 20q11.21.
Variant type: single nucleotide variant.
Coding change: c.818C>T on transcript NM_003098.3 (MANE Select); coding-DNA position 818, C replaced by T.
Protein change: p.Pro273Leu; replaces proline 273 with leucine.
Molecular consequence: missense variant.
Genome position (GRCh38, 1-based): chr20:33,412,666, G>A on the plus strand (C>T on the coding strand, the complement: SNTA1 is on the minus strand). VCF-style: chr20-33412666-G-A. GRCh37 (hg19) VCF-style: chr20-32000472-G-A.
Other names: c.818C>T, p.Pro273Leu (NM_001424413.1, NM_001424414.1); short protein forms P273L.
Identifiers: ClinVar variation 3626731 (VCV003626731.4).

ClinVar aggregate classification (germline): Conflicting classifications of pathogenicity. Review status: criteria provided, conflicting classifications (1 of 4 stars). 2 submissions from 2 submitters: Uncertain significance (1); Likely benign (1). Last evaluated 2026-06-17.

Conditions:
Long QT syndrome (LQTS). Identifiers: MedGen C0023976, MeSH D008133, MONDO:0002442. Disease mechanism: loss of function. Inheritance: Various modes of inheritance.
Cardiovascular phenotype. Identifiers: MedGen CN230736.

gnomAD v4.1: 12 of 1,613,774 alleles (0.00074%); highest among the groups gnomAD compares: Middle Eastern, 0.016%; no homozygotes.

Submissions (2):

Ambry Genetics
Classification: Likely benign for Cardiovascular phenotype. Last evaluated: 2026-06-17. Review status: criteria provided, single submitter. Criteria: Ambry Variant Classification Scheme 2023. Collection method: clinical testing. Allele origin: germline.

Labcorp Genetics (formerly Invitae), Labcorp
Classification: Uncertain significance for Long QT syndrome. Last evaluated: 2026-01-24. Review status: criteria provided, single submitter. Criteria: Invitae Variant Classification Sherloc (09022015). Collection method: clinical testing. Allele origin: germline.
Comment: This sequence change replaces proline, which is neutral and non-polar, with leucine, which is neutral and non-polar, at codon 273 of the SNTA1 protein (p.Pro273Leu). This variant is present in population databases (rs767797875, gnomAD 0.003%). This variant has not been reported in the literature in individuals affected with SNTA1-related conditions. ClinVar contains an entry for this variant (Variation ID: 3626731). Invitae Evidence Modeling of protein sequence and biophysical properties (such as structural, functional, and spatial information, amino acid conservation, physicochemical variation, residue mobility, and thermodynamic stability) indicates that this missense variant is not expected to disrupt SNTA1 protein function with a negative predictive value of 80%. In summary, the available evidence is currently insufficient to determine the role of this variant in disease. Therefore, it has been classified as a Variant of Uncertain Significance.